The following is an entry in ClinVar:

NM_001191061.2(SLC25A22):c.221C>T (p.Thr74Ile)

Gene: SLC25A22 (solute carrier family 25 member 22; minus strand). Cytogenetic location: 11p15.5.
Variant type: single nucleotide variant.
Coding change: c.221C>T on transcript NM_001191061.2 (MANE Select); coding-DNA position 221, C replaced by T.
Protein change: p.Thr74Ile; replaces threonine 74 with isoleucine.
Molecular consequence: missense variant.
Genome position (GRCh38, 1-based): chr11:793,601, G>A on the plus strand (C>T on the coding strand, the complement: SLC25A22 is on the minus strand). VCF-style: chr11-793601-G-A. GRCh37 (hg19) VCF-style: chr11-793601-G-A.
Other names: c.221C>T, p.Thr74Ile (NM_001191060.2, NM_024698.6); short protein forms T74I.
Identifiers: ClinVar variation 1787902 (VCV001787902.4), dbSNP rs764711324, ClinGen allele CA5789278.

ClinVar aggregate classification (germline): Uncertain significance. Review status: criteria provided, multiple submitters, no conflicts (2 of 4 stars). 2 submissions from 2 submitters: Uncertain significance (2). Last evaluated 2022-06-02.

Conditions:
Inborn genetic diseases. Identifiers: MedGen C0950123, MeSH D030342.
Developmental and epileptic encephalopathy. Identifiers: MedGen C5779964, MONDO:0100620.

Allele frequency attached by ClinVar (database versions not stated): gnomAD exomes below 0.00001; ExAC 0.00001; TOPMed 0.00001.

Submissions (2):

Labcorp Genetics (formerly Invitae), Labcorp
Classification: Uncertain significance for Early-infantile DEE. Last evaluated: 2022-06-02. Review status: criteria provided, single submitter. Criteria: Invitae Variant Classification Sherloc (09022015). Collection method: clinical testing. Allele origin: germline.
Comment: This sequence change replaces threonine, which is neutral and polar, with isoleucine, which is neutral and non-polar, at codon 74 of the SLC25A22 protein (p.Thr74Ile). This variant is present in population databases (rs764711324, gnomAD 0.006%). This variant has not been reported in the literature in individuals affected with SLC25A22-related conditions. Algorithms developed to predict the effect of missense changes on protein structure and function are either unavailable or do not agree on the potential impact of this missense change (SIFT: "Tolerated"; PolyPhen-2: "Probably Damaging"; Align-GVGD: "Class C0"). In summary, the available evidence is currently insufficient to determine the role of this variant in disease. Therefore, it has been classified as a Variant of Uncertain Significance.

Ambry Genetics
Classification: Uncertain significance for Inborn genetic diseases. Last evaluated: 2016-12-21. Review status: criteria provided, single submitter. Criteria: Ambry Variant Classification Scheme 2023. Collection method: clinical testing. Allele origin: germline.
Comment: The p.T74I variant (also known as c.221C>T), located in coding exon 4 of the SLC25A22 gene, results from a C to T substitution at nucleotide position 221. The threonine at codon 74 is replaced by isoleucine, an amino acid with similar properties. This amino acid position is highly conserved in available vertebrate species. In addition, the in silico prediction for this alteration is inconclusive. Since supporting evidence is limited at this time, the clinical significance of this alteration remains unclear.